The following is an entry in ClinVar:

ClinVar aggregate classification (germline): Uncertain significance (1 of 4 stars; one submission).

Conditions:
Charcot-Marie-Tooth disease axonal type 2O. Also called: Charcot-Marie-Tooth disease, axonal, type 20; CHARCOT-MARIE-TOOTH NEUROPATHY, AXONAL, TYPE 2O; CHARCOT-MARIE-TOOTH DISEASE, AXONAL, AUTOSOMAL DOMINANT, TYPE 2O; Charcot-Marie-Tooth Neuropathy Type 2O. Identifiers: Orphanet 284232, MedGen C3280220, MONDO:0013644, OMIM 614228.

Submission:

Labcorp Genetics (formerly Invitae), Labcorp
Classification: Uncertain significance for Charcot-Marie-Tooth disease axonal type 2O. Last evaluated: 2022-02-24. Review status: criteria provided, single submitter. Criteria: Invitae Variant Classification Sherloc (09022015). Collection method: clinical testing. Allele origin: germline.
Comment: This variant has not been reported in the literature in individuals affected with DYNC1H1-related conditions. In summary, the available evidence is currently insufficient to determine the role of this variant in disease. Therefore, it has been classified as a Variant of Uncertain Significance. Advanced modeling of protein sequence and biophysical properties (such as structural, functional, and spatial information, amino acid conservation, physicochemical variation, residue mobility, and thermodynamic stability) performed at Invitae indicates that this missense variant is not expected to disrupt DYNC1H1 protein function. This variant is not present in population databases (gnomAD no frequency). This sequence change replaces phenylalanine, which is neutral and non-polar, with leucine, which is neutral and non-polar, at codon 3187 of the DYNC1H1 protein (p.Phe3187Leu).

NM_001376.5(DYNC1H1):c.9561C>G (p.Phe3187Leu)

Gene: DYNC1H1 (dynein cytoplasmic 1 heavy chain 1; plus strand). Cytogenetic location: 14q32.31.
Variant type: single nucleotide variant.
Coding change: c.9561C>G on transcript NM_001376.5 (MANE Select); coding-DNA position 9561, C replaced by G.
Protein change: p.Phe3187Leu; replaces phenylalanine 3187 with leucine.
Molecular consequence: missense variant.
Genome position (GRCh38, 1-based): chr14:102,029,631, C>G. VCF-style: chr14-102029631-C-G. GRCh37 (hg19) VCF-style: chr14-102495968-C-G.
Other names: short protein forms F3187L.
Identifiers: ClinVar variation 2102858 (VCV002102858.4), dbSNP rs2048488005, ClinGen allele CA391015821.
Genomic context (GRCh38, chr14:102,029,631, plus strand): 5'-AACGATGGCCATCACCCCTCGCCACTACCTGGACTTCATCAATCACTATGCCAACCTGTT[C>G]CACGAGAAGCGGAGCGAGCTGGAGGAGCAGCAGATGCACTTGAACGTGGGGCTCAGGAAG-3'
Protein context (NP_001367.2, residues 3177-3197): LDFINHYANL[Phe3187Leu]HEKRSELEEQ